The following is an entry in ClinVar:

ClinVar aggregate classification (germline): Likely pathogenic (1 of 4 stars; one submission).

Conditions:
Dilated cardiomyopathy 1G (CMD1G). Identifiers: Orphanet 154, MedGen C1858763, MONDO:0011400, OMIM 604145.
Autosomal recessive limb-girdle muscular dystrophy type 2J (LGMDR10). Also called: MUSCULAR DYSTROPHY, LIMB-GIRDLE, AUTOSOMAL RECESSIVE 10; Limb-girdle muscular dystrophy, type 2J. Identifiers: Orphanet 140922, MedGen C1837342, MONDO:0012127, OMIM 608807.

Submission:

Labcorp Genetics (formerly Invitae), Labcorp
Classification: Likely pathogenic for Dilated cardiomyopathy 1G; Autosomal recessive limb-girdle muscular dystrophy type 2J. Last evaluated: 2024-06-17. Review status: criteria provided, single submitter. Criteria: Invitae Variant Classification Sherloc (09022015). Collection method: clinical testing. Allele origin: germline.
Comment: This sequence change creates a premature translational stop signal (p.Lys8580Serfs*5) in the TTN gene. While this is not anticipated to result in nonsense mediated decay, it is expected to create a truncated TTN protein. This variant is not present in population databases (gnomAD no frequency). This variant has not been reported in the literature in individuals affected with TTN-related conditions. Experimental studies and prediction algorithms are not available or were not evaluated, and the functional significance of this variant is currently unknown. Algorithms developed to predict the effect of sequence changes on RNA splicing suggest that this variant may create or strengthen a splice site. This variant is located in the I band of TTN (PMID: 25589632). Truncating variants in this region have been reported in individuals affected with autosomal recessive centronuclear myopathy (PMID: 23975875, Invitae internal data). Truncating variants in this region have also been identified in individuals affected with autosomal dominant dilated cardiomyopathy and/or cardio-related conditions (PMID: 27869827, 32964742, Invitae internal data). In summary, the currently available evidence indicates that the variant is pathogenic, but additional data are needed to prove that conclusively. Therefore, this variant has been classified as Likely Pathogenic.

Literature cited by the submitters: PubMed 25589632; PubMed 23975875; PubMed 27869827; PubMed 32964742.

NM_001267550.2(TTN):c.25739_25740del (p.Lys8580fs)

Gene: TTN (titin; minus strand). Cytogenetic location: 2q31.2.
Variant type: Deletion.
Coding change: c.25739_25740del on transcript NM_001267550.2 (MANE Select); coding-DNA positions 25739 to 25740, 2 bases deleted (AA; older notation c.25739_25740delAA).
Protein change: p.Lys8580fs; shifts the reading frame from lysine 8580.
Molecular consequence: frameshift variant. On other transcripts: intron variant (3).
Genome position (GRCh38, 1-based): chr2:178,715,674-178,715,675, TT deleted on the plus strand (AA on the coding strand, the reverse complement: TTN is on the minus strand); deleting any 2 consecutive bases within chr2:178,715,674-178,715,676 gives the same sequence; the c. name uses the placement nearest the transcript's 3' end. VCF-style (leftmost placement, unchanged base first): chr2-178715673-CTT-C. GRCh37 (hg19) VCF-style: chr2-179580400-CTT-C.
Other names: c.24788_24789del, p.Lys8263fs (NM_001256850.1); c.22007_22008del, p.Lys7336fs (NM_133378.4); c.13282+22407_13282+22408del (NM_003319.4); c.13858+22407_13858+22408del (NM_133437.4); c.13657+22407_13657+22408del (NM_133432.3); short protein forms K8263fs, K7336fs, K8580fs.
Identifiers: ClinVar variation 2929785 (VCV002929785.3), dbSNP rs2529118686, ClinGen allele CA2740090961.